The following is an entry in ClinVar:

ClinVar aggregate classification (germline): Uncertain significance (1 of 4 stars; one submission).

Conditions:
Progressive myoclonic epilepsy type 5. Identifiers: Orphanet 402082, MedGen C5190799.

gnomAD v4.1: 1 of 1,614,172 alleles (0.000062%); highest among the groups gnomAD compares: Non-Finnish European, 0.000085%; no homozygotes.

Submission:

Labcorp Genetics (formerly Invitae), Labcorp
Classification: Uncertain significance for Progressive myoclonic epilepsy type 5. Last evaluated: 2024-02-24. Review status: criteria provided, single submitter. Criteria: Invitae Variant Classification Sherloc (09022015). Collection method: clinical testing. Allele origin: germline.
Comment: This sequence change replaces glycine, which is neutral and non-polar, with valine, which is neutral and non-polar, at codon 648 of the PRICKLE2 protein (p.Gly648Val). This variant is not present in population databases (gnomAD no frequency). This variant has not been reported in the literature in individuals affected with PRICKLE2-related conditions. ClinVar contains an entry for this variant (Variation ID: 1515732). An algorithm developed to predict the effect of missense changes on protein structure and function (PolyPhen-2) suggests that this variant is likely to be tolerated. In summary, the available evidence is currently insufficient to determine the role of this variant in disease. Therefore, it has been classified as a Variant of Uncertain Significance.

NM_198859.4(PRICKLE2):c.1943G>T (p.Gly648Val)

Genes: PRICKLE2 (prickle planar cell polarity protein 2; minus strand), PRICKLE2-AS1 (PRICKLE2 antisense RNA 1; plus strand). Cytogenetic location: 3p14.1.
Variant type: single nucleotide variant.
Coding change: c.1943G>T on transcript NM_198859.4 (MANE Select); coding-DNA position 1943, G replaced by T.
Protein change: p.Gly648Val; replaces glycine 648 with valine.
Molecular consequence: missense variant. On other transcripts: non-coding transcript variant (1).
Genome position (GRCh38, 1-based): chr3:64,099,643, C>A on the plus strand (G>T on the coding strand, the complement: PRICKLE2 is on the minus strand). VCF-style: chr3-64099643-C-A. GRCh37 (hg19) VCF-style: chr3-64085319-C-A.
Other names: c.1943G>T, p.Gly648Val (NM_001370528.1); short protein forms G648V.
Identifiers: ClinVar variation 1515732 (VCV001515732.8), dbSNP rs894055397, ClinGen allele CA75716223.